The following is an entry in ClinVar:

ClinVar aggregate classification (germline): Conflicting classifications of pathogenicity. Review status: criteria provided, conflicting classifications (1 of 4 stars). 2 submissions from 2 submitters: Uncertain significance (1); Likely benign (1). Last evaluated 2024-12-04.

Conditions:
Legius syndrome. Identifiers: Orphanet 137605, MedGen C1969623, MONDO:0012669, OMIM 611431. Disease mechanism: loss of function.
Cardiovascular phenotype. Identifiers: MedGen CN230736.

Allele frequency attached by ClinVar (database versions not stated): gnomAD exomes below 0.00001.
gnomAD v4.1: 2 of 1,614,100 alleles (0.00012%); highest among the groups gnomAD compares: Non-Finnish European, 0.00017%; no homozygotes.

Submissions (2):

Labcorp Genetics (formerly Invitae), Labcorp
Classification: Uncertain significance for Legius syndrome. Last evaluated: 2024-12-04. Review status: criteria provided, single submitter. Criteria: Invitae Variant Classification Sherloc (09022015). Collection method: clinical testing. Allele origin: germline.
Comment: This sequence change replaces alanine, which is neutral and non-polar, with threonine, which is neutral and polar, at codon 276 of the SPRED1 protein (p.Ala276Thr). This variant is present in population databases (no rsID available, gnomAD 0.0009%). This variant has not been reported in the literature in individuals affected with SPRED1-related conditions. ClinVar contains an entry for this variant (Variation ID: 2447509). Invitae Evidence Modeling of protein sequence and biophysical properties (such as structural, functional, and spatial information, amino acid conservation, physicochemical variation, residue mobility, and thermodynamic stability) indicates that this missense variant is not expected to disrupt SPRED1 protein function with a negative predictive value of 80%. In summary, the available evidence is currently insufficient to determine the role of this variant in disease. Therefore, it has been classified as a Variant of Uncertain Significance.

Ambry Genetics
Classification: Likely benign for Cardiovascular phenotype. Last evaluated: 2023-02-12. Review status: criteria provided, single submitter. Criteria: Ambry Variant Classification Scheme 2023. Collection method: clinical testing. Allele origin: germline.

NM_152594.3(SPRED1):c.826G>A (p.Ala276Thr)

Gene: SPRED1 (sprouty related EVH1 domain containing 1; plus strand). Cytogenetic location: 15q14.
Variant type: single nucleotide variant.
Coding change: c.826G>A on transcript NM_152594.3 (MANE Select); coding-DNA position 826, G replaced by A.
Protein change: p.Ala276Thr; replaces alanine 276 with threonine.
Molecular consequence: missense variant.
Genome position (GRCh38, 1-based): chr15:38,351,155, G>A. VCF-style: chr15-38351155-G-A. GRCh37 (hg19) VCF-style: chr15-38643356-G-A.
Other names: short protein forms A276T.
Identifiers: ClinVar variation 2447509 (VCV002447509.4), dbSNP rs1270752951, ClinGen allele CA391933336.